The following is an entry in ClinVar:

NM_001130965.3(SUN1):c.1106T>C (p.Val369Ala)

Gene: SUN1 (Sad1 and UNC84 domain containing 1; plus strand). Cytogenetic location: 7p22.3.
Variant type: single nucleotide variant.
Coding change: c.1106T>C on transcript NM_001130965.3 (MANE Select); coding-DNA position 1106, T replaced by C.
Protein change: p.Val369Ala; replaces valine 369 with alanine.
Molecular consequence: missense variant. On other transcripts: non-coding transcript variant (3).
Genome position (GRCh38, 1-based): chr7:853,461, T>C. VCF-style: chr7-853461-T-C. GRCh37 (hg19) VCF-style: chr7-893098-T-C.
Other names: c.797T>C, p.Val266Ala (NM_001171944.2); c.1106T>C, p.Val369Ala (NM_001367633.1, NM_001367634.1, NM_001367653.1 and 1 more transcripts); c.755T>C, p.Val252Ala (NM_001367635.1); c.1346T>C, p.Val449Ala (NM_001367636.1, NM_001367691.1); c.1214T>C, p.Val405Ala (NM_001367638.1); c.647T>C, p.Val216Ala (NM_001367639.1); c.1286T>C, p.Val429Ala (NM_001367640.1); c.1388T>C, p.Val463Ala (NM_001367641.1, NM_001367682.1); and 38 more; short protein forms V286A, V318A, V346A, V356A, V364A, V378A, V397A, V406A.
Identifiers: ClinVar variation 2129018 (VCV002129018.4), dbSNP rs756006692, ClinGen allele CA4112076.
Genomic context (GRCh38, chr7:853,461, plus strand): 5'-CATTTCAGGGTGACAGTGAGGCTTTTCCGTGGCATTGGATGAGTGGCGTGGAGCAGCAGG[T>C]GGCCTCTCTGTCTGGACAGTGCCACCACCATGGTGAGAATCTCCGAGAGCTGACCACTTT-3'
Protein context (NP_001124437.1, residues 359-379): WHWMSGVEQQ[Val369Ala]ASLSGQCHHH

ClinVar aggregate classification (germline): Uncertain significance (1 of 4 stars; one submission).

Conditions:
Emery-Dreifuss muscular dystrophy (EDMD). Also called: Scapuloperoneal syndrome, X-linked (formerly); Humeroperoneal neuromuscular disease, (formerly). Identifiers: Orphanet 261, MedGen C0410189, MONDO:0016830.

Allele frequency attached by ClinVar (database versions not stated): gnomAD exomes below 0.00001; ExAC 0.00001.
gnomAD v4.1: 2 of 1,614,042 alleles (0.00012%); highest among the groups gnomAD compares: South Asian, 0.0022%; no homozygotes.

Submission:

Labcorp Genetics (formerly Invitae), Labcorp
Classification: Uncertain significance for Emery-Dreifuss muscular dystrophy. Last evaluated: 2022-08-22. Review status: criteria provided, single submitter. Criteria: Invitae Variant Classification Sherloc (09022015). Collection method: clinical testing. Allele origin: germline.
Comment: In summary, the available evidence is currently insufficient to determine the role of this variant in disease. Therefore, it has been classified as a Variant of Uncertain Significance. Algorithms developed to predict the effect of missense changes on protein structure and function are either unavailable or do not agree on the potential impact of this missense change (SIFT: "Deleterious"; PolyPhen-2: "Benign"; Align-GVGD: "Class C25"). This variant has not been reported in the literature in individuals affected with SUN1-related conditions. This variant is present in population databases (rs756006692, gnomAD 0.003%). This sequence change replaces valine, which is neutral and non-polar, with alanine, which is neutral and non-polar, at codon 369 of the SUN1 protein (p.Val369Ala).